The following is an entry in ClinVar:

ClinVar aggregate classification (germline): Pathogenic (1 of 4 stars; one submission).

Conditions:
ZTTK syndrome (ZTTKS). Also called: Zhu-Tokita-Takenouchi-Kim Syndrome; ZTTK MULTIPLE CONGENITAL ANOMALIES-MENTAL RETARDATION SYNDROME. Identifiers: Orphanet 500150, MedGen C4310696, MONDO:0014936, OMIM 617140.

Submission:

Victorian Clinical Genetics Services, Murdoch Childrens Research Institute
Classification: Pathogenic for ZTTK syndrome. Last evaluated: 2023-07-17. Review status: criteria provided, single submitter. Criteria: ACMG Guidelines, 2015. Collection method: clinical testing. Allele origin: germline. Inheritance: Autosomal dominant inheritance. Affected: yes.
Comment: Based on the classification scheme VCGS_Germline_v1.3.4, this variant is classified as Pathogenic. Following criteria are met: 0102 - Loss of function is a known mechanism of disease in this gene and is associated with ZTTK syndrome (MIM#617140) . (I) 0107 - This gene is associated with autosomal dominant disease. (I) 0201 - Variant is predicted to cause nonsense-mediated decay (NMD) and loss of protein (premature termination codon is located at least 54 nucleotides upstream of the final exon-exon junction). (SP) 0251 - This variant is heterozygous. (I) 0301 - Variant is absent from gnomAD (both v2 and v3). (SP) 0701 - Other NMD-predicted variants comparable to the one identified in this case have very strong previous evidence for pathogenicity (DECIPHER). (SP) 0807 - This variant has no previous evidence of pathogenicity. (I) 0905 - No published segregation evidence has been identified for this variant. (I) 1007 - No published functional evidence has been identified for this variant. (SP) Legend: (SP) - Supporting pathogenic, (I) - Information, (SB) - Supporting benign

NM_138927.4(SON):c.3350_3354del (p.Ser1117fs)

Gene: SON (SON DNA and RNA binding protein; plus strand). Cytogenetic location: 21q22.11.
Variant type: Deletion.
Coding change: c.3350_3354del on transcript NM_138927.4 (MANE Select); coding-DNA positions 3350 to 3354, 5 bases deleted (CTTAT; older notation c.3350_3354delCTTAT).
Protein change: p.Ser1117fs; shifts the reading frame from serine 1117.
Molecular consequence: frameshift variant. On other transcripts: non-coding transcript variant (1), intron variant (1).
Genome position (GRCh38, 1-based): chr21:33,552,581-33,552,585, CTTAT deleted; deleting any 5 consecutive bases within chr21:33,552,579-33,552,585 gives the same sequence; the c. name uses the placement nearest the transcript's 3' end. VCF-style (leftmost placement, unchanged base first): chr21-33552578-CATCTT-C. GRCh37 (hg19) VCF-style: chr21-34924884-CATCTT-C.
Other names: c.3350_3354del, p.Ser1117fs (NM_001291411.2, NM_032195.3); c.245-4575_245-4571del (NM_001291412.3); short protein forms S1117fs.
Identifiers: ClinVar variation 3254912 (VCV003254912.1), dbSNP rs2517371094.
Genomic context (GRCh38, chr21:33,552,578, plus strand): 5'-ACTCTGCTGCTGACCGGTCTATGATGTCATCGTACTCTGCAGCTGACCGATCTATGATGT[CATCTT>C]ATACTGCTGATCGTTCAATGATGTCTATGGCTGCTGATTCTTACACCGATTCTTACACTG-3'